The following is an entry in ClinVar:

NM_001430.5(EPAS1):c.1103T>C (p.Met368Thr)

Gene: EPAS1 (endothelial PAS domain protein 1; plus strand). Cytogenetic location: 2p21.
Variant type: single nucleotide variant.
Coding change: c.1103T>C on transcript NM_001430.5 (MANE Select); coding-DNA position 1103, T replaced by C.
Protein change: p.Met368Thr; replaces methionine 368 with threonine.
Molecular consequence: missense variant.
Genome position (GRCh38, 1-based): chr2:46,376,607, T>C. VCF-style: chr2-46376607-T-C. GRCh37 (hg19) VCF-style: chr2-46603746-T-C.
Other names: short protein forms M368T.
Identifiers: ClinVar variation 2565034 (VCV002565034.2), dbSNP rs2546471363, ClinGen allele CA346703186.

ClinVar aggregate classification (germline): Uncertain significance (1 of 4 stars; one submission).

Conditions:
Inborn genetic diseases. Identifiers: MedGen C0950123, MeSH D030342.

Submission:

Ambry Genetics
Classification: Uncertain significance for Inborn genetic diseases. Last evaluated: 2023-03-19. Review status: criteria provided, single submitter. Criteria: Ambry Variant Classification Scheme 2023. Collection method: clinical testing. Allele origin: germline.
Comment: The p.M368T variant (also known as c.1103T>C), located in coding exon 9 of the EPAS1 gene, results from a T to C substitution at nucleotide position 1103. The methionine at codon 368 is replaced by threonine, an amino acid with similar properties. This amino acid position is conserved. In addition, this alteration is predicted to be tolerated by in silico analysis. Since supporting evidence is limited at this time, the clinical significance of this alteration remains unclear.